The following is an entry in ClinVar:

ClinVar aggregate classification (germline): Uncertain significance (1 of 4 stars; one submission).

Conditions:
Retinitis pigmentosa 59 (RP59). Identifiers: Orphanet 791, MedGen C3151227, MONDO:0013468, OMIM 613861.

Allele frequency attached by ClinVar (database versions not stated): gnomAD exomes below 0.00001.
gnomAD v4.1: 1 of 1,610,574 alleles (0.000062%); highest among the groups gnomAD compares: African/African-American, 0.0013%; no homozygotes.

Submission:

Labcorp Genetics (formerly Invitae), Labcorp
Classification: Uncertain significance for Retinitis pigmentosa 59. Last evaluated: 2024-12-02. Review status: criteria provided, single submitter. Criteria: Invitae Variant Classification Sherloc (09022015). Collection method: clinical testing. Allele origin: germline.
Comment: This sequence change falls in intron 8 of the DHDDS gene. It does not directly change the encoded amino acid sequence of the DHDDS protein. It affects a nucleotide within the consensus splice site. This variant is not present in population databases (gnomAD no frequency). This variant has not been reported in the literature in individuals affected with DHDDS-related conditions. ClinVar contains an entry for this variant (Variation ID: 1508325). Variants that disrupt the consensus splice site are a relatively common cause of aberrant splicing (PMID: 17576681, 9536098). Algorithms developed to predict the effect of sequence changes on RNA splicing suggest that this variant is not likely to affect RNA splicing. In summary, the available evidence is currently insufficient to determine the role of this variant in disease. Therefore, it has been classified as a Variant of Uncertain Significance.

Literature cited by the submitters: PubMed 17576681; PubMed 9536098.

NM_205861.3(DHDDS):c.765+5G>T

Gene: DHDDS (dehydrodolichyl diphosphate synthase subunit; plus strand). Cytogenetic location: 1p36.11.
Variant type: single nucleotide variant.
Coding change: c.765+5G>T on transcript NM_205861.3 (MANE Select); 5 bases into the intron after coding-DNA position 765, G replaced by T.
Molecular consequence: intron variant.
Genome position (GRCh38, 1-based): chr1:26,460,149, G>T. VCF-style: chr1-26460149-G-T. GRCh37 (hg19) VCF-style: chr1-26786640-G-T.
Other names: c.486+5G>T (NM_001319959.2); c.765+5G>T (NM_024887.4); c.663+5G>T (NM_001243564.2); c.648+5G>T (NM_001243565.2).
Identifiers: ClinVar variation 1508325 (VCV001508325.6), dbSNP rs1335999297, ClinGen allele CA1160077739.